The following is an entry in ClinVar:

ClinVar aggregate classification (germline): Uncertain significance (1 of 4 stars; one submission).

Conditions:
Nephronophthisis. Also called: Juvenile Nephronophthisis. Identifiers: Orphanet 655, MedGen C0687120, MONDO:0019005, HP:0000090.

Submission:

Labcorp Genetics (formerly Invitae), Labcorp
Classification: Uncertain significance for Nephronophthisis. Last evaluated: 2025-11-15. Review status: criteria provided, single submitter. Criteria: Invitae Variant Classification Sherloc (09022015). Collection method: clinical testing. Allele origin: germline.
Comment: This sequence change replaces valine, which is neutral and non-polar, with isoleucine, which is neutral and non-polar, at codon 922 of the INVS protein (p.Val922Ile). This variant is not present in population databases (gnomAD no frequency). This variant has not been reported in the literature in individuals affected with INVS-related conditions. An algorithm developed to predict the effect of missense changes on protein structure and function outputs the following: PolyPhen-2: "Benign". The isoleucine amino acid residue is found in multiple mammalian species, which suggests that this missense change does not adversely affect protein function. In summary, the available evidence is currently insufficient to determine the role of this variant in disease. Therefore, it has been classified as a Variant of Uncertain Significance.

NM_014425.5(INVS):c.2764G>A (p.Val922Ile)

Gene: INVS (inversin; plus strand). Cytogenetic location: 9q31.1.
Variant type: single nucleotide variant.
Coding change: c.2764G>A on transcript NM_014425.5 (MANE Select); coding-DNA position 2764, G replaced by A.
Protein change: p.Val922Ile; replaces valine 922 with isoleucine.
Molecular consequence: missense variant. On other transcripts: non-coding transcript variant (1).
Genome position (GRCh38, 1-based): chr9:100,293,021, G>A. VCF-style: chr9-100293021-G-A. GRCh37 (hg19) VCF-style: chr9-103055303-G-A.
Other names: c.2476G>A, p.Val826Ile (NM_001318381.2); c.1786G>A, p.Val596Ile (NM_001318382.2); short protein forms V596I, V826I, V922I.
Identifiers: ClinVar variation 4731258 (VCV004731258.1).
Genomic context (GRCh38, chr9:100,293,021, plus strand): 5'-ATAATTCAGAGAGAACGAAGGAGGAAGGAGCTGTTTCGCAAAAAGAACAAGGCAGCAGCA[G>A]TCATCCAGCGCGCCTGGCGAAGGTAGGAAAATGGGGTGCTGCCGCATCTGTGGTTCTTTG-3'
Protein context (NP_055240.2, residues 912-932): LFRKKNKAAA[Val922Ile]IQRAWRSYQL